The following is an entry in ClinVar:

ClinVar aggregate classification (germline): Uncertain significance. Review status: criteria provided, multiple submitters, no conflicts (2 of 4 stars). 3 submissions from 3 submitters: Uncertain significance (3). Last evaluated 2026-04-06.

Conditions:
Developmental and epileptic encephalopathy, 1 (DEE1). Also called: OHTAHARA SYNDROME, X-LINKED; INFANTILE SPASM SYNDROME, X-LINKED 1; X-linked infantile spasms; West's syndrome; Tonic spasms with clustering, arrest of psychomotor development and hypsarrhythmia on EEG; X-Linked Infantile Spasm Syndrome. Identifiers: MedGen C3463992, MONDO:0010632, OMIM 308350. Disease mechanism: loss of function.
Intellectual disability, X-linked, with or without seizures, ARX-related. Also called: INTELLECTUAL DEVELOPMENTAL DISORDER, X-LINKED 29; Mental retardation, X-linked 52; MENTAL RETARDATION, X-LINKED 29; MENTAL RETARDATION, X-LINKED 32; MENTAL RETARDATION, X-LINKED 33; MENTAL RETARDATION, X-LINKED 38. Identifiers: Orphanet 777, MedGen C0796244, MONDO:0010317, OMIM 300419.

Allele frequency attached by ClinVar (database versions not stated): gnomAD exomes 0.00001; ExAC 0.00013.
gnomAD v4.1: 10 of 1,152,098 alleles (0.00087%); highest among the groups gnomAD compares: Middle Eastern, 0.026%; no homozygotes.

Submissions (3):

GeneDx
Classification: Uncertain significance. Last evaluated: 2026-04-06. Review status: criteria provided, single submitter. Criteria: GeneDx Variant Classification Process June 2021. Collection method: clinical testing. Allele origin: germline.
Comment: Reported in at least one patient with autism spectrum disorder in published literature; however, familial segregation information and additional clinical information were not provided (PMID: 35052376); In silico analysis supports that this missense variant has a deleterious effect on protein structure/function; This variant is associated with the following publications: (PMID: 35052376)

Labcorp Genetics (formerly Invitae), Labcorp
Classification: Uncertain significance for Developmental and epileptic encephalopathy, 1; Intellectual disability, X-linked, with or without seizures, ARX-related. Last evaluated: 2025-09-03. Review status: criteria provided, single submitter. Criteria: Invitae Variant Classification Sherloc (09022015). Collection method: clinical testing. Allele origin: germline.
Comment: This sequence change replaces proline, which is neutral and non-polar, with alanine, which is neutral and non-polar, at codon 396 of the ARX protein (p.Pro396Ala). The frequency data for this variant in the population databases is considered unreliable, as metrics indicate poor data quality at this position in the gnomAD database. This missense change has been observed in individual(s) with an autism spectrum disorder (PMID: 35052376). This variant is also known as c.1414C>G. ClinVar contains an entry for this variant (Variation ID: 964299). Invitae Evidence Modeling of protein sequence and biophysical properties (such as structural, functional, and spatial information, amino acid conservation, physicochemical variation, residue mobility, and thermodynamic stability) indicates that this missense variant is not expected to disrupt ARX protein function with a negative predictive value of 80%. In summary, the available evidence is currently insufficient to determine the role of this variant in disease. Therefore, it has been classified as a Variant of Uncertain Significance.

Blueprint Genetics
Classification: Uncertain significance. Last evaluated: 2024-07-23. Review status: criteria provided, single submitter. Criteria: ACMG Guidelines, 2015. Collection method: clinical testing. Allele origin: germline.

Literature cited by the submitters: PubMed 35052376 (cited by Labcorp Genetics (formerly Invitae), Labcorp).

NM_139058.3(ARX):c.1186C>G (p.Pro396Ala)

Gene: ARX (aristaless related homeobox; minus strand). Cytogenetic location: Xp21.3.
Variant type: single nucleotide variant.
Coding change: c.1186C>G on transcript NM_139058.3 (MANE Select); coding-DNA position 1186, C replaced by G.
Protein change: p.Pro396Ala; replaces proline 396 with alanine.
Molecular consequence: missense variant.
Genome position (GRCh38, 1-based): chrX:25,007,373, G>C on the plus strand (C>G on the coding strand, the complement: ARX is on the minus strand). VCF-style: chrX-25007373-G-C. GRCh37 (hg19) VCF-style: chrX-25025490-G-C.
Other names: short protein forms P396A.
Identifiers: ClinVar variation 964299 (VCV000964299.9), dbSNP rs776523818, ClinGen allele CA10373823.
Genomic context (GRCh38, chrX:25,007,373, plus strand): 5'-CGTCCAGGTAGGGGCTGAGCGGGTGGGTGGCGGAGAGCGGCCCCGGGAAGGGCAGCCCAG[G>C]GGGGTGGGTCTGCGCGCCTGCCTTCTCCCGCTTGCGCCACTTGGCCCGACGGTTCTGGAA-3'
Protein context (NP_620689.1, residues 386-406): REKAGAQTHP[Pro396Ala]GLPFPGPLSA